The following is an entry in ClinVar:

ClinVar aggregate classification (germline): Uncertain significance. Review status: criteria provided, multiple submitters, no conflicts (2 of 4 stars). 5 submissions from 5 submitters: Uncertain significance (5). Last evaluated 2024-08-01.

Conditions:
Intellectual disability, autosomal dominant 16 (CSS4). Also called: COFFIN-SIRIS SYNDROME 4. Identifiers: Orphanet 1465, MedGen C3553249, MONDO:0013821, OMIM 614609.
Rhabdoid tumor predisposition syndrome 2 (RTPS2). Identifiers: Orphanet 231108, Orphanet 69077, MedGen C2750074, MONDO:0013224, OMIM 613325.
Hereditary cancer-predisposing syndrome. Also called: Hereditary neoplastic syndrome; Neoplastic Syndromes, Hereditary; Tumor predisposition; Hereditary Cancer Syndrome. Identifiers: Orphanet 140162, MedGen C0027672, MeSH D009386, MONDO:0015356.

gnomAD v4.1: 1 of 1,613,658 alleles (0.000062%); highest among the groups gnomAD compares: Non-Finnish European, 0.000085%; no homozygotes.

Submissions (5):

Labcorp Genetics (formerly Invitae), Labcorp
Classification: Uncertain significance for Rhabdoid tumor predisposition syndrome 2. Last evaluated: 2024-08-01. Review status: criteria provided, single submitter. Criteria: Invitae Variant Classification Sherloc (09022015). Collection method: clinical testing. Allele origin: germline.
Comment: This sequence change replaces proline, which is neutral and non-polar, with leucine, which is neutral and non-polar, at codon 683 of the SMARCA4 protein (p.Pro683Leu). This variant is not present in population databases (gnomAD no frequency). This variant has not been reported in the literature in individuals affected with SMARCA4-related conditions. ClinVar contains an entry for this variant (Variation ID: 470275). Advanced modeling of protein sequence and biophysical properties (such as structural, functional, and spatial information, amino acid conservation, physicochemical variation, residue mobility, and thermodynamic stability) performed at Invitae indicates that this missense variant is not expected to disrupt SMARCA4 protein function with a negative predictive value of 95%. In summary, the available evidence is currently insufficient to determine the role of this variant in disease. Therefore, it has been classified as a Variant of Uncertain Significance.

Baylor Genetics
Classification: Uncertain significance for Rhabdoid tumor predisposition syndrome 2. Last evaluated: 2024-03-16. Review status: criteria provided, single submitter. Criteria: ACMG Guidelines, 2015. Collection method: clinical testing. Allele origin: unknown.

Ambry Genetics
Classification: Uncertain significance for Hereditary cancer-predisposing syndrome. Last evaluated: 2024-02-08. Review status: criteria provided, single submitter. Criteria: Ambry Variant Classification Scheme 2023. Collection method: clinical testing. Allele origin: germline.
Comment: The p.P683L variant (also known as c.2048C>T), located in coding exon 13 of the SMARCA4 gene, results from a C to T substitution at nucleotide position 2048. The proline at codon 683 is replaced by leucine, an amino acid with similar properties. This amino acid position is highly conserved in available vertebrate species. In addition, this alteration is predicted to be tolerated by in silico analysis. Since supporting evidence is limited at this time, the clinical significance of this alteration remains unclear.

Mendelics
Classification: Uncertain significance. Last evaluated: 2022-05-04. Review status: criteria provided, single submitter. Criteria: Mendelics Assertion Criteria 2019. Collection method: clinical testing. Allele origin: germline.

Genome-Nilou Lab
Classification: Uncertain significance for Intellectual disability, autosomal dominant 16. Last evaluated: 2021-07-15. Review status: criteria provided, single submitter. Criteria: ACMG Guidelines, 2015. Collection method: clinical testing. Allele origin: germline. Affected: no.

NM_003072.5(SMARCA4):c.2048C>T (p.Pro683Leu)

Gene: SMARCA4 (SWI/SNF related BAF chromatin remodeling complex subunit ATPase 4; plus strand). Cytogenetic location: 19p13.2.
Variant type: single nucleotide variant.
Coding change: c.2048C>T on transcript NM_003072.5 (MANE Select); coding-DNA position 2048, C replaced by T.
Protein change: p.Pro683Leu; replaces proline 683 with leucine.
Molecular consequence: missense variant. On other transcripts: non-coding transcript variant (1).
Genome position (GRCh38, 1-based): chr19:11,007,948, C>T. VCF-style: chr19-11007948-C-T. GRCh37 (hg19) VCF-style: chr19-11118624-C-T.
Other names: c.2048C>T, p.Pro683Leu (NM_001128844.3, NM_001128845.2, NM_001128846.2 and 5 more transcripts); short protein forms P683L.
Identifiers: ClinVar variation 470275 (VCV000470275.18), dbSNP rs878854203, ClinGen allele CA404052462.